The following is an entry in ClinVar:

ClinVar aggregate classification (germline): Conflicting classifications of pathogenicity. Review status: criteria provided, conflicting classifications (1 of 4 stars). 2 submissions from 2 submitters: Uncertain significance (1); Likely benign (1). Last evaluated 2025-07-06.

Conditions:
Primary ciliary dyskinesia. Also called: Ciliary dyskinesia. Identifiers: Orphanet 244, MedGen C0008780, MONDO:0016575, HP:0012265.

Allele frequency attached by ClinVar (database versions not stated): gnomAD 0.00001; TOPMed 0.00002.
gnomAD v4.1: 4 of 1,613,534 alleles (0.00025%); highest among the groups gnomAD compares: African/African-American, 0.0053%; no homozygotes.

Submissions (2):

Ambry Genetics
Classification: Uncertain significance for Primary ciliary dyskinesia. Last evaluated: 2025-07-06. Review status: criteria provided, single submitter. Criteria: Ambry Variant Classification Scheme 2023. Collection method: clinical testing. Allele origin: germline.
Comment: The p.I1351N variant (also known as c.4052T>A), located in coding exon 22 of the DNAH11 gene, results from a T to A substitution at nucleotide position 4052. The isoleucine at codon 1351 is replaced by asparagine, an amino acid with dissimilar properties. This amino acid position is conserved. In addition, the in silico prediction for this alteration is inconclusive. Based on the available evidence, the clinical significance of this variant remains unclear.

Labcorp Genetics (formerly Invitae), Labcorp
Classification: Likely benign for Primary ciliary dyskinesia. Last evaluated: 2023-10-19. Review status: criteria provided, single submitter. Criteria: Invitae Variant Classification Sherloc (09022015). Collection method: clinical testing. Allele origin: germline.

NM_001277115.2(DNAH11):c.4052T>A (p.Ile1351Asn)

Gene: DNAH11 (dynein axonemal heavy chain 11; plus strand). Cytogenetic location: 7p15.3.
Variant type: single nucleotide variant.
Coding change: c.4052T>A on transcript NM_001277115.2 (MANE Select); coding-DNA position 4052, T replaced by A.
Protein change: p.Ile1351Asn; replaces isoleucine 1351 with asparagine.
Molecular consequence: missense variant.
Genome position (GRCh38, 1-based): chr7:21,616,249, T>A. VCF-style: chr7-21616249-T-A. GRCh37 (hg19) VCF-style: chr7-21655867-T-A.
Other names: c.4052T>A, p.Ile1351Asn (NM_003777.3); c.4052T>A (NM_001277115.1); short protein forms I1351N.
Identifiers: ClinVar variation 2718645 (VCV002718645.4), dbSNP rs202100672, ClinGen allele CA366951465.
Genomic context (GRCh38, chr7:21,616,249, plus strand): 5'-ATCTGCTTTTGCGTTTTCAGAGAAGCATTGATAATTGGACTAAAACCCAGTGGAGACAGA[T>A]TCATGTGGAACAGATGGATGTAGAACTCAGAAGGTTTGCCAAGGCGAGTTCCATAACTGT-3'
Protein context (NP_001264044.1, residues 1341-1361): DNWTKTQWRQ[Ile1351Asn]HVEQMDVELR